The following is an entry in ClinVar:

ClinVar aggregate classification (germline): Uncertain significance (1 of 4 stars; one submission).

Submission:

Labcorp Genetics (formerly Invitae), Labcorp
Classification: Uncertain significance. Last evaluated: 2025-03-05. Review status: criteria provided, single submitter. Criteria: Invitae Variant Classification Sherloc (09022015). Collection method: clinical testing. Allele origin: germline.
Comment: This sequence change replaces serine, which is neutral and polar, with arginine, which is basic and polar, at codon 2153 of the RTTN protein (p.Ser2153Arg). This variant is not present in population databases (gnomAD no frequency). This variant has not been reported in the literature in individuals affected with RTTN-related conditions. Invitae Evidence Modeling of protein sequence and biophysical properties (such as structural, functional, and spatial information, amino acid conservation, physicochemical variation, residue mobility, and thermodynamic stability) has been performed for this missense variant. However, the output from this modeling did not meet the statistical confidence thresholds required to predict the impact of this variant on RTTN protein function. In summary, the available evidence is currently insufficient to determine the role of this variant in disease. Therefore, it has been classified as a Variant of Uncertain Significance.

NM_173630.4(RTTN):c.6457A>C (p.Ser2153Arg)

Gene: RTTN (rotatin; minus strand). Cytogenetic location: 18q22.2.
Variant type: single nucleotide variant.
Coding change: c.6457A>C on transcript NM_173630.4 (MANE Select); coding-DNA position 6457, A replaced by C.
Protein change: p.Ser2153Arg; replaces serine 2153 with arginine.
Molecular consequence: missense variant.
Genome position (GRCh38, 1-based): chr18:70,006,449, T>G on the plus strand (A>C on the coding strand, the complement: RTTN is on the minus strand). VCF-style: chr18-70006449-T-G. GRCh37 (hg19) VCF-style: chr18-67673685-T-G.
Other names: c.3721A>C, p.Ser1241Arg (NM_001318520.2); short protein forms S1241R, S2153R.
Identifiers: ClinVar variation 4745539 (VCV004745539.1).